The following is an entry in ClinVar:

ClinVar aggregate classification (germline): Uncertain significance (1 of 4 stars; one submission).

Conditions:
Multiple endocrine neoplasia, type 1 (MEN1). Also called: MEN I; WERMER SYNDROME; Endocrine adenomatosis multiple; MEN 1; MEA I. Identifiers: Orphanet 652, MedGen C0025267, MeSH D018761, MONDO:0007540, OMIM 131100.

Submission:

Labcorp Genetics (formerly Invitae), Labcorp
Classification: Uncertain significance for Multiple endocrine neoplasia, type 1. Last evaluated: 2023-02-27. Review status: criteria provided, single submitter. Criteria: Invitae Variant Classification Sherloc (09022015). Collection method: clinical testing. Allele origin: germline.
Comment: This variant is not present in population databases (gnomAD no frequency). This variant has not been reported in the literature in individuals affected with MEN1-related conditions. Advanced modeling of protein sequence and biophysical properties (such as structural, functional, and spatial information, amino acid conservation, physicochemical variation, residue mobility, and thermodynamic stability) performed at Invitae indicates that this missense variant is expected to disrupt MEN1 protein function. In summary, the available evidence is currently insufficient to determine the role of this variant in disease. Therefore, it has been classified as a Variant of Uncertain Significance. This sequence change replaces threonine, which is neutral and polar, with asparagine, which is neutral and polar, at codon 197 of the MEN1 protein (p.Thr197Asn).

NM_001370259.2(MEN1):c.590C>A (p.Thr197Asn)

Gene: MEN1 (menin 1; minus strand). Cytogenetic location: 11q13.1.
Variant type: single nucleotide variant.
Coding change: c.590C>A on transcript NM_001370259.2 (MANE Select); coding-DNA position 590, C replaced by A.
Protein change: p.Thr197Asn; replaces threonine 197 with asparagine.
Molecular consequence: missense variant. On other transcripts: non-coding transcript variant (4), intron variant (5).
Genome position (GRCh38, 1-based): chr11:64,807,955, G>T on the plus strand (C>A on the coding strand, the complement: MEN1 is on the minus strand). VCF-style: chr11-64807955-G-T. GRCh37 (hg19) VCF-style: chr11-64575427-G-T.
Other names: c.605C>A, p.Thr202Asn (NM_000244.4, NM_001407145.1, NM_001407150.1 and 5 more transcripts); c.590C>A, p.Thr197Asn (NM_001370251.2, NM_001370260.2, NM_001370261.2 and 7 more transcripts); c.549+41C>A (NM_001407148.1, NM_001407149.1, NM_001407151.1 and 2 more transcripts); short protein forms T202N, T197N.
Identifiers: ClinVar variation 2841203 (VCV002841203.3), dbSNP rs1592650893, ClinGen allele CA381185559.